The following is an entry in ClinVar:

NM_015512.5(DNAH1):c.551G>A (p.Gly184Asp)

Gene: DNAH1 (dynein axonemal heavy chain 1; plus strand). Cytogenetic location: 3p21.1.
Variant type: single nucleotide variant.
Coding change: c.551G>A on transcript NM_015512.5 (MANE Select); coding-DNA position 551, G replaced by A.
Protein change: p.Gly184Asp; replaces glycine 184 with aspartic acid.
Molecular consequence: missense variant.
Genome position (GRCh38, 1-based): chr3:52,326,284, G>A. VCF-style: chr3-52326284-G-A. GRCh37 (hg19) VCF-style: chr3-52360300-G-A.
Other names: short protein forms G184D.
Identifiers: ClinVar variation 1983246 (VCV001983246.4), dbSNP rs201444060, ClinGen allele CA2432672.

ClinVar aggregate classification (germline): Uncertain significance. Review status: criteria provided, multiple submitters, no conflicts (2 of 4 stars). 2 submissions from 2 submitters: Uncertain significance (2). Last evaluated 2024-01-19.

Conditions:
Spermatogenic failure 18. Identifiers: MedGen C4539783, MONDO:0054615, OMIM 617576.
Ciliary dyskinesia, primary, 37 (CILD37). Also called: CILIARY DYSKINESIA, PRIMARY, 37, WITH OR WITHOUT SITUS INVERSUS. Identifiers: MedGen C4539798, MONDO:0033204, OMIM 617577.

Allele frequency attached by ClinVar (database versions not stated): TOPMed below 0.00001; gnomAD 0.00001; gnomAD exomes 0.00001; ExAC 0.00003.
gnomAD v4.1: 11 of 1,610,406 alleles (0.00068%); highest among the groups gnomAD compares: Non-Finnish European, 0.00076%; no homozygotes.

Submissions (2):

Labcorp Genetics (formerly Invitae), Labcorp
Classification: Uncertain significance for Ciliary dyskinesia, primary, 37; Spermatogenic failure 18. Last evaluated: 2024-01-19. Review status: criteria provided, single submitter. Criteria: Invitae Variant Classification Sherloc (09022015). Collection method: clinical testing. Allele origin: germline.
Comment: This sequence change replaces glycine, which is neutral and non-polar, with aspartic acid, which is acidic and polar, at codon 184 of the DNAH1 protein (p.Gly184Asp). This variant is present in population databases (rs201444060, gnomAD 0.004%). This variant has not been reported in the literature in individuals affected with DNAH1-related conditions. ClinVar contains an entry for this variant (Variation ID: 1983246). An algorithm developed to predict the effect of missense changes on protein structure and function (PolyPhen-2) suggests that this variant is likely to be disruptive. In summary, the available evidence is currently insufficient to determine the role of this variant in disease. Therefore, it has been classified as a Variant of Uncertain Significance.

Blueprint Genetics
Classification: Uncertain significance. Last evaluated: 2022-12-01. Review status: criteria provided, single submitter. Criteria: ACMG Guidelines, 2015. Collection method: clinical testing. Allele origin: germline.